The following is an entry in ClinVar:

ClinVar aggregate classification (germline): Uncertain significance (1 of 4 stars; one submission).

Submission:

GeneDx
Classification: Uncertain significance. Last evaluated: 2024-10-09. Review status: criteria provided, single submitter. Criteria: GeneDx Variant Classification Process June 2021. Collection method: clinical testing. Allele origin: germline. Affected: yes.
Comment: Not observed at significant frequency in large population cohorts (gnomAD); In silico analysis supports that this missense variant has a deleterious effect on protein structure/function; Has not been previously published as pathogenic or benign to our knowledge

NM_020738.4(KIDINS220):c.1080A>C (p.Lys360Asn)

Gene: KIDINS220 (kinase D interacting substrate 220; minus strand). Cytogenetic location: 2p25.1.
Variant type: single nucleotide variant.
Coding change: c.1080A>C on transcript NM_020738.4 (MANE Select); coding-DNA position 1080, A replaced by C.
Protein change: p.Lys360Asn; replaces lysine 360 with asparagine.
Molecular consequence: missense variant. On other transcripts: non-coding transcript variant (2).
Genome position (GRCh38, 1-based): chr2:8,796,789, T>G on the plus strand (A>C on the coding strand, the complement: KIDINS220 is on the minus strand). VCF-style: chr2-8796789-T-G. GRCh37 (hg19) VCF-style: chr2-8936919-T-G.
Other names: c.1083A>C, p.Lys361Asn (NM_001348729.2, NM_001348731.2, NM_001348734.2 and 3 more transcripts); c.1080A>C, p.Lys360Asn (NM_001348732.2, NM_001348735.2, NM_001348738.2 and 3 more transcripts); c.954A>C, p.Lys318Asn (NM_001348736.2); short protein forms K318N, K360N, K361N.
Identifiers: ClinVar variation 3777539 (VCV003777539.1).